The following is an entry in ClinVar:

NM_004360.5(CDH1):c.845T>A (p.Met282Lys)

Gene: CDH1 (cadherin 1; plus strand). Cytogenetic location: 16q22.1.
Variant type: single nucleotide variant.
Coding change: c.845T>A on transcript NM_004360.5 (MANE Select); coding-DNA position 845, T replaced by A.
Protein change: p.Met282Lys; replaces methionine 282 with lysine.
Molecular consequence: missense variant. On other transcripts: 5 prime UTR variant (2).
Genome position (GRCh38, 1-based): chr16:68,811,696, T>A. VCF-style: chr16-68811696-T-A. GRCh37 (hg19) VCF-style: chr16-68845599-T-A.
Other names: c.845T>A (NM_004360.3); c.845T>A, p.Met282Lys (NM_001317184.2); c.-771T>A (NM_001317185.2); c.-975T>A (NM_001317186.2); short protein forms M282K.
Identifiers: ClinVar variation 1058058 (VCV001058058.10), dbSNP rs730881652, ClinGen allele CA396459561.

ClinVar aggregate classification (germline): Uncertain significance. Review status: criteria provided, multiple submitters, no conflicts (2 of 4 stars). 2 submissions from 2 submitters: Uncertain significance (2). Last evaluated 2026-08-12.

Conditions:
Hereditary cancer-predisposing syndrome. Also called: Tumor predisposition; Hereditary Cancer Syndrome; Hereditary neoplastic syndrome; Neoplastic Syndromes, Hereditary. Identifiers: Orphanet 140162, MedGen C0027672, MeSH D009386, MONDO:0015356.
Hereditary diffuse gastric adenocarcinoma (HDGC). Also called: DIFFUSE GASTRIC AND LOBULAR BREAST CANCER SYNDROME. Identifiers: Orphanet 26106, MedGen C1708349, MONDO:0007648, OMIM 137215.

Submissions (2):

Ambry Genetics
Classification: Uncertain significance for Hereditary cancer-predisposing syndrome. Last evaluated: 2026-08-12. Review status: criteria provided, single submitter. Criteria: Ambry Variant Classification Scheme 2023. Collection method: clinical testing. Allele origin: germline.
Comment: The p.M282K variant (also known as c.845T>A), located in coding exon 7 of the CDH1 gene, results from a T to A substitution at nucleotide position 845. The methionine at codon 282 is replaced by lysine, an amino acid with similar properties. This amino acid position is conserved. In addition, this alteration is predicted to be deleterious by in silico analysis. Based on the available evidence, the clinical significance of this variant remains unclear.

Labcorp Genetics (formerly Invitae), Labcorp
Classification: Uncertain significance for Hereditary diffuse gastric adenocarcinoma. Last evaluated: 2020-07-19. Review status: criteria provided, single submitter. Criteria: Invitae Variant Classification Sherloc (09022015). Collection method: clinical testing. Allele origin: germline.
Comment: This sequence change replaces methionine with lysine at codon 282 of the CDH1 protein (p.Met282Lys). The methionine residue is highly conserved and there is a moderate physicochemical difference between methionine and lysine. This variant is not present in population databases (ExAC no frequency). This variant has not been reported in the literature in individuals with CDH1-related conditions. Algorithms developed to predict the effect of missense changes on protein structure and function (SIFT, PolyPhen-2, Align-GVGD) all suggest that this variant is likely to be disruptive, but these predictions have not been confirmed by published functional studies and their clinical significance is uncertain. In summary, the available evidence is currently insufficient to determine the role of this variant in disease. Therefore, it has been classified as a Variant of Uncertain Significance.